The following is an entry in ClinVar:

NM_001364905.1(LRBA):c.2479C>T (p.Arg827Ter)

Gene: LRBA (LPS responsive beige-like anchor protein; minus strand). Cytogenetic location: 4q31.3.
Variant type: single nucleotide variant.
Coding change: c.2479C>T on transcript NM_001364905.1 (MANE Select); coding-DNA position 2479, C replaced by T.
Protein change: p.Arg827Ter; replaces arginine 827 with a stop codon.
Molecular consequence: nonsense.
Genome position (GRCh38, 1-based): chr4:150,868,276, G>A on the plus strand (C>T on the coding strand, the complement: LRBA is on the minus strand). VCF-style: chr4-150868276-G-A. GRCh37 (hg19) VCF-style: chr4-151789428-G-A.
Other names: c.2479C>T, p.Arg827Ter (NM_001199282.3, NM_001367550.1, NM_006726.5); short protein forms R827*.
Identifiers: ClinVar variation 439868 (VCV000439868.13), dbSNP rs779575307, ClinGen allele CA3103225.

ClinVar aggregate classification (germline): Pathogenic/Likely pathogenic. Review status: criteria provided, multiple submitters, no conflicts (2 of 4 stars). 3 submissions from 3 submitters: Pathogenic (1); Likely pathogenic (1). 1 of the submissions does not count toward it. Last evaluated 2018-08-20.

Conditions:
LRBA-related disorder. Also called: LRBA-related condition.
Combined immunodeficiency due to LRBA deficiency. Also called: Common variable immunodeficiency 8, with autoimmunity. Identifiers: Orphanet 445018, MedGen C3553512, MONDO:0013863, OMIM 614700.

Allele frequency attached by ClinVar (database versions not stated): ExAC 0.00001; gnomAD 0.00001.
gnomAD v4.1: 8 of 1,611,422 alleles (0.0005%); highest among the groups gnomAD compares: East Asian, 0.0022%; no homozygotes.

Submissions (3):

Blueprint Genetics
Classification: Likely pathogenic for LRBA-related disorders. Last evaluated: 2018-08-20. Review status: criteria provided, single submitter. Criteria: ACMG Guidelines, 2015. Collection method: clinical testing. Allele origin: germline. Affected: yes. Observed: 2 variant alleles.

ARUP Laboratories, Molecular Genetics and Genomics, ARUP Laboratories
Classification: Pathogenic. Last evaluated: 2017-01-07. Review status: criteria provided, single submitter. Criteria: ARUP Molecular Germline Variant Investigation Process. Collection method: clinical testing. Allele origin: germline.

National Institute of Immunohaematology, Indian Council of Medical Research
Classification: Pathogenic for Combined immunodeficiency due to LRBA deficiency. Review status: no assertion criteria provided. Collection method: research. Allele origin: germline. Inheritance: Autosomal recessive inheritance. Affected: yes. Observed: 1 homozygote. Not counted in ClinVar's aggregate classification.
Comment: The p.Arg827Ter variant has not been reported in the 1000 genomes and our internal databases and has a minor allele frequency of 0.0007% in the gnomAD database. The in silico prediction# of the variant is damaging by MutationTaster2. The reference codon is conserved across mammals. The variant has also been identified in other study and invitro studies have proved to be a loss of function variant by western blotting . (PMID: 34368306). Hence , we classify this variant as pathogenic.

Literature cited by the submitters: PubMed 34368306 (cited by National Institute of Immunohaematology, Indian Council of Medical Research).